The following is an entry in ClinVar:

ClinVar aggregate classification (germline): Pathogenic (1 of 4 stars; one submission).

Submission:

Quest Diagnostics Nichols Institute San Juan Capistrano
Classification: Pathogenic. Last evaluated: 2020-01-02. Review status: criteria provided, single submitter. Criteria: Quest Diagnostics criteria. Collection method: clinical testing. Allele origin: unknown.
Comment: The variant results in the deletion of at least one complete exon, and is therefore predicted to result in the loss of a functional protein. Found in at least one patient with expected phenotype for this gene, and not found in general population data.

NM_007194.3:c.-72_1632del

Gene: CHEK2 (checkpoint kinase 2; minus strand).
Variant type: Deletion.
Identifiers: ClinVar variation 993064 (VCV000993064.1).